The following is an entry in ClinVar:

ClinVar aggregate classification (germline): Uncertain significance (1 of 4 stars; one submission).

Conditions:
Renal cell carcinoma. Identifiers: Orphanet 217071, MedGen C0007134, MeSH D002292, MONDO:0005086, HP:0005584.

Submission:

Labcorp Genetics (formerly Invitae), Labcorp
Classification: Uncertain significance for Renal cell carcinoma. Last evaluated: 2024-06-03. Review status: criteria provided, single submitter. Criteria: Invitae Variant Classification Sherloc (09022015). Collection method: clinical testing. Allele origin: germline.
Comment: This sequence change replaces asparagine, which is neutral and polar, with histidine, which is basic and polar, at codon 1193 of the MET protein (p.Asn1193His). This variant is not present in population databases (gnomAD no frequency). This variant has not been reported in the literature in individuals affected with MET-related conditions. An algorithm developed to predict the effect of missense changes on protein structure and function (PolyPhen-2) suggests that this variant is likely to be disruptive. In summary, the available evidence is currently insufficient to determine the role of this variant in disease. Therefore, it has been classified as a Variant of Uncertain Significance.

NM_000245.4(MET):c.3523A>C (p.Asn1175His)

Gene: MET (MET proto-oncogene, receptor tyrosine kinase; plus strand). Cytogenetic location: 7q31.2.
Variant type: single nucleotide variant.
Coding change: c.3523A>C on transcript NM_000245.4 (MANE Select); coding-DNA position 3523, A replaced by C.
Protein change: p.Asn1175His; replaces asparagine 1175 with histidine.
Molecular consequence: missense variant.
Genome position (GRCh38, 1-based): chr7:116,781,988, A>C. VCF-style: chr7-116781988-A-C. GRCh37 (hg19) VCF-style: chr7-116422042-A-C.
Other names: c.3577A>C, p.Asn1193His (NM_001127500.3); c.2233A>C, p.Asn745His (NM_001324402.2); short protein forms N1193H, N1175H, N745H.
Identifiers: ClinVar variation 2700390 (VCV002700390.3), dbSNP rs2485830875, ClinGen allele CA368990876.